The following is an entry in ClinVar:

NM_000059.4(BRCA2):c.4515_4525del (p.Phe1506fs)

Gene: BRCA2 (BRCA2 DNA repair associated; plus strand). Cytogenetic location: 13q13.1.
Variant type: Deletion.
Coding change: c.4515_4525del on transcript NM_000059.4 (MANE Select); coding-DNA positions 4515 to 4525, 11 bases deleted (CTTCCAGGGAC).
Protein change: p.Phe1506fs; shifts the reading frame from phenylalanine 1506.
Molecular consequence: frameshift variant.
Genome position (GRCh38, 1-based): chr13:32,338,870-32,338,880, CTTCCAGGGAC deleted; deleting any 11 consecutive bases within chr13:32,338,867-32,338,880 gives the same sequence; the c. name uses the placement nearest the transcript's 3' end. VCF-style (leftmost placement, unchanged base first): chr13-32338866-TGACCTTCCAGG-T. GRCh37 (hg19) VCF-style: chr13-32913003-TGACCTTCCAGG-T.
Other names: c.4515_4525delCTTCCAGGGAC (NM_000059.3, NM_000059.4); short protein forms F1506fs.
Identifiers: ClinVar variation 216855 (VCV000216855.22), dbSNP rs863224827, ClinGen allele CA338948.
Genomic context (GRCh38, chr13:32,338,866, plus strand): 5'-ACATAGTTAAACACAAAATACTGAAAGAAAGTGTCCCAGTTGGTACTGGAAATCAACTAG[TGACCTTCCAGG>T]GACAACCCGAACGTGATGAAAAGATCAAAGAACCTACTCTATTGGGTTTTCATACAGCTA-3'

ClinVar aggregate classification (germline): Pathogenic. Review status: reviewed by expert panel (3 of 4 stars). 8 submissions from 8 submitters: Pathogenic (1). 7 of the submissions do not count toward it. Last evaluated 2016-09-08.

Conditions:
Hereditary cancer-predisposing syndrome. Also called: Tumor predisposition; Hereditary Cancer Syndrome; Neoplastic Syndromes, Hereditary; Hereditary neoplastic syndrome. Identifiers: Orphanet 140162, MedGen C0027672, MeSH D009386, MONDO:0015356.
Hereditary breast ovarian cancer syndrome. Also called: Hereditary breast and/or ovarian cancer syndrome; BRCA1- and BRCA2-Associated Hereditary Breast and Ovarian Cancer; Hereditary breast and ovarian cancer; Hereditary breast and ovarian cancer syndrome (HBOC); Breast and ovarian cancer; Hereditary breast and ovarian cancer syndrome. Identifiers: Orphanet 145, MedGen C0677776, MeSH D061325, MONDO:0003582. Disease mechanism: loss of function.
Fanconi anemia complementation group D1. Also called: BRCA2-Related Fanconi Anemia. Identifiers: Orphanet 319462, MedGen C1838457, MONDO:0011584, OMIM 605724.
Breast-ovarian cancer, familial, susceptibility to, 2 (BROVCA2). Also called: BRCA2 Hereditary Breast and Ovarian Cancer. Identifiers: Orphanet 145, MedGen C2675520, MONDO:0012933, OMIM 612555. Disease mechanism: loss of function.
Familial cancer of breast. Also called: Hereditary breast cancer; BREAST CANCER, FAMILIAL; hereditary breast carcinoma. Identifiers: Orphanet 227535, MedGen C0346153, MONDO:0016419, OMIM 114480. Disease mechanism: loss of function.

Submissions (8):

Evidence-based Network for the Interpretation of Germline Mutant Alleles (ENIGMA)
Classification: Pathogenic for Breast-ovarian cancer, familial, susceptibility to, 2. Last evaluated: 2016-09-08. Review status: reviewed by expert panel. Criteria: ENIGMA BRCA1/2 Classification Criteria (2015). Collection method: curation. Allele origin: germline.
Comment: Variant allele predicted to encode a truncated non-functional protein.

Ambry Genetics
Classification: Pathogenic for Hereditary cancer-predisposing syndrome. Last evaluated: 2025-11-13. Review status: criteria provided, single submitter. Criteria: Ambry Variant Classification Scheme 2023. Collection method: clinical testing. Allele origin: germline. Not counted in ClinVar's aggregate classification.
Comment: The c.4515_4525del11 pathogenic mutation, located in coding exon 10 of the BRCA2 gene, results from a deletion of 11 nucleotides at nucleotide positions 4515 to 4525, causing a translational frameshift with a predicted alternate stop codon (p.F1506Tfs*4). This alteration is expected to result in loss of function by premature protein truncation or nonsense-mediated mRNA decay. As such, this alteration is interpreted as a disease-causing mutation.

GeneKor MSA
Classification: Pathogenic for Hereditary breast ovarian cancer syndrome. Last evaluated: 2025-05-15. Review status: criteria provided, single submitter. Criteria: ACMG Guidelines, 2015. Collection method: clinical testing. Allele origin: germline. Not counted in ClinVar's aggregate classification.
Comment: This variant is a deletion of 11 nucleotides in exon 11 of the BRCA2 mRNA c.(4515_4525delCTTCCAGGGAC), causing a frameshift after codon 1506 and the creation of a premature translation stop signal 4 amino acid residues later, p.(Phe1506Thrfs*4). This is expected to result in an absent or disrupted protein product. Truncating variants in the BRCA2 gene are known to be pathogenic (PMID:20104584). This variant is not present in population databases (rs863224827). ClinVar contains entries for this variant where is listed as pathogenic (VCV000216855.19). Based on the classification criteria set by the ACMG and AMP (PMID:25741868) this variant has been classified as pathogenic.

Molecular Pathology, Peter Maccallum Cancer Centre
Classification: Pathogenic for Breast-ovarian cancer, familial, susceptibility to, 2. Last evaluated: 2025-04-22. Review status: criteria provided, single submitter. Criteria: ACMG Guidelines, 2015. Collection method: clinical testing. Allele origin: germline. Inheritance: Autosomal dominant inheritance. Not counted in ClinVar's aggregate classification.

Color Diagnostics, LLC DBA Color Health
Classification: Pathogenic for Hereditary cancer-predisposing syndrome. Last evaluated: 2024-01-29. Review status: criteria provided, single submitter. Criteria: ACMG Guidelines, 2015. Collection method: clinical testing. Allele origin: germline. Not counted in ClinVar's aggregate classification.
Comment: This variant deletes 11 nucleotides in exon 11 of the BRCA2 gene, creating a frameshift and premature translation stop signal. This variant is expected to result in an absent or non-functional protein product. This variant has been reported in an individual affected with breast and ovarian cancer (PMID: 31300551). This variant has not been identified in the general population by the Genome Aggregation Database (gnomAD). Loss of BRCA2 function is a known mechanism of disease. Based on the available evidence, this variant is classified as Pathogenic.

Labcorp Genetics (formerly Invitae), Labcorp
Classification: Pathogenic for Hereditary breast ovarian cancer syndrome. Last evaluated: 2022-08-20. Review status: criteria provided, single submitter. Criteria: Invitae Variant Classification Sherloc (09022015). Collection method: clinical testing. Allele origin: germline. Not counted in ClinVar's aggregate classification.
Comment: This variant is not present in population databases (gnomAD no frequency). This variant has not been reported in the literature in individuals affected with BRCA2-related conditions. ClinVar contains an entry for this variant (Variation ID: 216855). For these reasons, this variant has been classified as Pathogenic. This sequence change creates a premature translational stop signal (p.Phe1506Thrfs*4) in the BRCA2 gene. It is expected to result in an absent or disrupted protein product. Loss-of-function variants in BRCA2 are known to be pathogenic (PMID: 20104584).

Laboratory of Medical Genetics, National & Kapodistrian University of Athens
Classification: Pathogenic for Fanconi anemia complementation group D1. Last evaluated: 2021-10-05. Review status: criteria provided, single submitter. Criteria: ACMG Guidelines, 2015. Collection method: clinical testing. Allele origin: paternal. Affected: yes. Not counted in ClinVar's aggregate classification.
Comment: PVS1, PM2, PP5

Baylor Genetics
Classification: Pathogenic for Familial cancer of breast. Last evaluated: 2021-09-24. Review status: criteria provided, single submitter. Criteria: ACMG Guidelines, 2015. Collection method: clinical testing. Allele origin: unknown. Not counted in ClinVar's aggregate classification.

Literature cited by the submitters: PubMed 20104584 (cited by GeneKor MSA and Labcorp Genetics (formerly Invitae), Labcorp); PubMed 31300551 (cited by Color Diagnostics, LLC DBA Color Health).